The following is an entry in ClinVar:

ClinVar aggregate classification (germline): Benign/Likely benign. Review status: criteria provided, multiple submitters, no conflicts (2 of 4 stars). 10 submissions from 9 submitters: Benign (4); Likely benign (5). 1 of the submissions does not count toward it. Last evaluated 2026-01-28.

Conditions:
Hereditary cancer-predisposing syndrome. Also called: Tumor predisposition; Hereditary neoplastic syndrome; Neoplastic Syndromes, Hereditary; Hereditary Cancer Syndrome. Identifiers: Orphanet 140162, MedGen C0027672, MeSH D009386, MONDO:0015356.
CHEK2-related cancer predisposition (TPDS4). Also called: TUMOR PREDISPOSITION SYNDROME 4; CANCER PREDISPOSITION SYNDROME, CHEK2-RELATED; CHEK2-related cancer susceptibility. Identifiers: Orphanet 524, MedGen C5882668, MONDO:0700271, OMIM 609265.
Familial cancer of breast. Also called: Hereditary breast cancer; BREAST CANCER, FAMILIAL; hereditary breast carcinoma. Identifiers: Orphanet 227535, MedGen C0346153, MONDO:0016419, OMIM 114480. Disease mechanism: loss of function.

Allele frequency attached by ClinVar (database versions not stated): gnomAD 0.00006; 1000 Genomes Project 30x 0.00016; TOPMed 0.00018; 1000 Genomes Project 0.00020.
gnomAD v4.1: 148 of 1,501,914 alleles (0.0099%); highest among the groups gnomAD compares: Middle Eastern, 0.2%; no homozygotes.

Submissions (10):

Labcorp Genetics (formerly Invitae), Labcorp
Classification: Likely benign for Familial cancer of breast. Last evaluated: 2026-01-28. Review status: criteria provided, single submitter. Criteria: Invitae Variant Classification Sherloc (09022015). Collection method: clinical testing. Allele origin: germline.

Center for Genomic Medicine, Rigshospitalet, Copenhagen University Hospital
Classification: Likely benign. Last evaluated: 2025-12-29. Review status: criteria provided, single submitter. Criteria: ACMG Guidelines, 2015. Collection method: clinical testing. Allele origin: germline.

KCCC/NGS Laboratory, Kuwait Cancer Control Center
Classification: Benign for CHEK2-related cancer predisposition. Last evaluated: 2025-02-01. Review status: criteria provided, single submitter. Criteria: ACMG Guidelines, 2015. Collection method: clinical testing. Allele origin: germline. Affected: no.

Blueprint Genetics
Classification: Likely benign. Last evaluated: 2024-11-07. Review status: criteria provided, single submitter. Criteria: ACMG Guidelines, 2015. Collection method: clinical testing. Allele origin: germline.

KCCC/NGS Laboratory, Kuwait Cancer Control Center
Classification: Benign for Familial cancer of breast. Last evaluated: 2023-07-07. Review status: criteria provided, single submitter. Criteria: ACMG Guidelines, 2015. Collection method: clinical testing. Allele origin: germline. Affected: yes.

Myriad Genetics, Inc.
Classification: Benign for Familial cancer of breast. Last evaluated: 2023-03-09. Review status: criteria provided, single submitter. Criteria: Myriad Autosomal Dominant, Autosomal Recessive and X-Linked Classification Criteria (2023). Collection method: clinical testing. Allele origin: unknown.
Comment: This variant is considered benign. This variant is strongly associated with less severe personal and family histories of cancer, typical for individuals without pathogenic variants in this gene [PMID: 25085752].

Color Diagnostics, LLC DBA Color Health
Classification: Likely benign for Hereditary cancer-predisposing syndrome. Last evaluated: 2016-08-30. Review status: criteria provided, single submitter. Criteria: ACMG Guidelines, 2015. Collection method: clinical testing. Allele origin: germline.

Ambry Genetics
Classification: Likely benign for Hereditary cancer-predisposing syndrome. Last evaluated: 2015-01-05. Review status: criteria provided, single submitter. Criteria: Ambry Variant Classification Scheme 2023. Collection method: clinical testing. Allele origin: germline.

GeneDx
Classification: Benign. Last evaluated: 2014-04-02. Review status: criteria provided, single submitter. Criteria: GeneDx Variant Classification (06012015). Collection method: clinical testing. Allele origin: germline. Affected: yes.
Comment: This variant is considered likely benign or benign based on one or more of the following criteria: it is a conservative change, it occurs at a poorly conserved position in the protein, it is predicted to be benign by multiple in silico algorithms, and/or has population frequency not consistent with disease.

Counsyl
Classification: Likely benign for Familial cancer of breast. Last evaluated: 2016-10-13. Review status: no assertion criteria provided. Collection method: clinical testing. Allele origin: unknown. Not counted in ClinVar's aggregate classification.

Literature cited by the submitters: PubMed 25085752 (cited by Myriad Genetics, Inc.).

NM_007194.4(CHEK2):c.847-17T>C

Gene: CHEK2 (checkpoint kinase 2; minus strand). Cytogenetic location: 22q12.1.
Variant type: single nucleotide variant.
Coding change: c.847-17T>C on transcript NM_007194.4 (MANE Select); 17 bases into the intron before coding-DNA position 847, T replaced by C.
Molecular consequence: intron variant.
Genome position (GRCh38, 1-based): chr22:28,703,583, A>G on the plus strand (T>C on the coding strand, the complement: CHEK2 is on the minus strand). VCF-style: chr22-28703583-A-G. GRCh37 (hg19) VCF-style: chr22-29099571-A-G.
Other names: c.184-17T>C (NM_001437942.1, NM_001257387.3); c.646-17T>C (NM_001349956.3); c.847-17T>C (NM_145862.3); c.940-17T>C (NM_001438295.1, NM_001438293.1); c.976-17T>C (NM_001438294.1, NM_001005735.3).
Identifiers: ClinVar variation 136743 (VCV000136743.21), dbSNP rs199780411, ClinGen allele CA294272.